The following is an entry in ClinVar:

NM_001148.6(ANK2):c.2902T>G (p.Phe968Val)

Gene: ANK2 (ankyrin 2; plus strand). Cytogenetic location: 4q26.
Variant type: single nucleotide variant.
Coding change: c.2902T>G on transcript NM_001148.6 (MANE Select); coding-DNA position 2902, T replaced by G.
Protein change: p.Phe968Val; replaces phenylalanine 968 with valine.
Molecular consequence: missense variant.
Genome position (GRCh38, 1-based): chr4:113,330,247, T>G. VCF-style: chr4-113330247-T-G. GRCh37 (hg19) VCF-style: chr4-114251403-T-G.
Other names: c.2875T>G, p.Phe959Val (NM_001127493.3); c.2914T>G, p.Phe972Val (NM_001354225.2); c.2902T>G, p.Phe968Val (NM_001354228.2, NM_001354258.2, NM_020977.5); c.2980T>G, p.Phe994Val (NM_001354230.2, NM_001354237.2); c.2944T>G, p.Phe982Val (NM_001354231.2, NM_001354242.2); c.2938T>G, p.Phe980Val (NM_001354232.2); c.2899T>G, p.Phe967Val (NM_001354235.2, NM_001354236.2, NM_001354246.2 and 1 more transcripts); c.2872T>G, p.Phe958Val (NM_001354239.2, NM_001354252.2, NM_001354272.2); and 23 more; short protein forms F959V, F968V, F177V, F897V, F926V, F958V, F982V, F994V.
Identifiers: ClinVar variation 191402 (VCV000191402.1), dbSNP rs786205421, ClinGen allele CA236531.

ClinVar aggregate classification (germline): Uncertain significance (1 of 4 stars; one submission).

Submission:

Biesecker Lab/Clinical Genomics Section, National Institutes of Health
Classification: Uncertain significance. Last evaluated: 2013-06-24. Review status: criteria provided, single submitter. Criteria: Ng et al. (Circ Cardiovasc Genet. 2013). Collection method: research. Allele origin: unknown. Observed: 1 variant allele. Study: ClinSeq.
Comment: The study set was not selected for affection status in relation to any cancer. Pathogenicity categories were based on literature curation. See Pubmed ID:23861362 for details.

Medical sequencing